The following is an entry in ClinVar:

ClinVar aggregate classification (germline): Uncertain significance (1 of 4 stars; one submission).

Conditions:
Koolen-de Vries syndrome (KDVS). Identifiers: Orphanet 96169, MedGen C1864871, MONDO:0012496, OMIM 610443.

Submission:

Labcorp Genetics (formerly Invitae), Labcorp
Classification: Uncertain significance for Koolen-de Vries syndrome. Last evaluated: 2022-08-31. Review status: criteria provided, single submitter. Criteria: Invitae Variant Classification Sherloc (09022015). Collection method: clinical testing. Allele origin: germline.
Comment: Due to the possible presence of a polymorphic segmental duplication, the location of the variant could not be unambiguously resolved. Variants with ambiguous mapping are still reported relative to the KANSL1 transcript. This sequence change replaces aspartic acid, which is acidic and polar, with valine, which is neutral and non-polar, at codon 216 of the KANSL1 protein (p.Asp216Val). This variant is not present in population databases (gnomAD no frequency). This variant has not been reported in the literature in individuals with KANSL1-related conditions. ClinVar contains an entry for this variant (Variation ID: 935643). Algorithms developed to predict the effect of missense changes on protein structure and function (SIFT, PolyPhen-2, Align-GVGD) all suggest that this variant is likely to be disruptive. Until the location of this sequence change can be resolved, the clinical significance of this variant remains uncertain. It has been classified as a Variant of Uncertain Significance.

NM_015443.4(KANSL1):c.647A>T (p.Asp216Val)

Gene: KANSL1 (KAT8 regulatory NSL complex subunit 1). Cytogenetic location: 17q21.31.
Variant type: single nucleotide variant.
Coding change: c.647A>T on transcript NM_015443.4 (MANE Select); coding-DNA position 647, A replaced by T.
Protein change: p.Asp216Val; replaces aspartic acid 216 with valine.
Molecular consequence: missense variant.
Genome position (GRCh38, 1-based): chr17:46,171,497, T>A on the plus strand (A>T on the coding strand, the complement: KANSL1 is on the minus strand). VCF-style: chr17-46171497-T-A. GRCh37 (hg19) VCF-style: chr17-44248863-T-A.
Other names: c.647A>T, p.Asp216Val (NM_001193465.2, NM_001193466.2, NM_001379198.1); short protein forms D216V.
Identifiers: ClinVar variation 935643 (VCV000935643.9), dbSNP rs2046288156, ClinGen allele CA399981334.
Genomic context (GRCh38, chr17:46,171,497, plus strand): 5'-GAATTGACAGAGGATTTGTTTGCAGTGCTATTATTGCTATACAAAGTTGTGTGTTCTACA[T>A]CAAGGCTTCTATGTGGAAGAGTGCAATTGGTCATACCCCCCTTCAAGTCCCCAGATTCAG-3'
Protein context (NP_056258.1, residues 206-226): TNCTLPHRSL[Asp216Val]VEHTTLYSNN